The following is an entry in ClinVar:

ClinVar aggregate classification (germline): Likely pathogenic (1 of 4 stars; one submission).

Conditions:
Hao-Fountain syndrome (HAFOUS). Identifiers: Orphanet 643549, MedGen C5393908, MONDO:0014805.

Submission:

3billion
Classification: Likely pathogenic for Hao-Fountain syndrome due to USP7 mutation. Last evaluated: 2022-03-22. Review status: criteria provided, single submitter. Criteria: ACMG Guidelines, 2015. Collection method: clinical testing. Allele origin: germline. Affected: yes. Observed: 1 heterozygote.
Comment: Stop-gained (nonsense): predicted to result in a loss or disruption of normal protein function through nonsense-mediated decay (NMD) or protein truncation. Multiple pathogenic variants are reported downstream of the variant.It is not observed in the gnomAD v2.1.1 dataset. Therefore, this variant is classified as likely pathogenic according to the recommendation of ACMG/AMP guideline.

NM_003470.3(USP7):c.1157T>A (p.Leu386Ter)

Gene: USP7 (ubiquitin specific peptidase 7; minus strand). Cytogenetic location: 16p13.2.
Variant type: single nucleotide variant.
Coding change: c.1157T>A on transcript NM_003470.3 (MANE Select); coding-DNA position 1157, T replaced by A.
Protein change: p.Leu386Ter; replaces leucine 386 with a stop codon.
Molecular consequence: nonsense. On other transcripts: non-coding transcript variant (1).
Genome position (GRCh38, 1-based): chr16:8,910,749, A>T on the plus strand (T>A on the coding strand, the complement: USP7 is on the minus strand). VCF-style: chr16-8910749-A-T. GRCh37 (hg19) VCF-style: chr16-9004606-A-T.
Other names: c.1109T>A, p.Leu370Ter (NM_001286457.2); c.860T>A, p.Leu287Ter (NM_001286458.2); c.983T>A, p.Leu328Ter (NM_001321858.2); short protein forms L287*, L328*, L370*, L386*.
Identifiers: ClinVar variation 1526154 (VCV001526154.1), dbSNP rs2141190525, ClinGen allele CA394703074.